The following is an entry in ClinVar:

ClinVar aggregate classification (germline): Likely pathogenic (1 of 4 stars; one submission).

Submission:

GeneDx
Classification: Likely pathogenic. Last evaluated: 2019-05-01. Review status: criteria provided, single submitter. Criteria: GeneDx Variant Classification Process June 2021. Collection method: clinical testing. Allele origin: germline. Affected: yes.
Comment: Nonsense variant predicted to result in protein truncation or nonsense mediated decay in a gene for which loss-of-function is a known mechanism of disease; Not observed in large population cohorts (Lek et al., 2016); Has not been previously published as pathogenic or benign to our knowledge

NM_001332.4(CTNND2):c.1087A>T (p.Lys363Ter)

Gene: CTNND2 (catenin delta 2; minus strand). Cytogenetic location: 5p15.2.
Variant type: single nucleotide variant.
Coding change: c.1087A>T on transcript NM_001332.4 (MANE Select); coding-DNA position 1087, A replaced by T.
Protein change: p.Lys363Ter; replaces lysine 363 with a stop codon.
Molecular consequence: nonsense. On other transcripts: intron variant (3).
Genome position (GRCh38, 1-based): chr5:11,384,755, T>A on the plus strand (A>T on the coding strand, the complement: CTNND2 is on the minus strand). VCF-style: chr5-11384755-T-A. GRCh37 (hg19) VCF-style: chr5-11384867-T-A.
Other names: c.814A>T, p.Lys272Ter (NM_001288715.1); c.-123+12276A>T (NM_001288717.2); c.167-19865A>T (NM_001364128.2, NM_001288716.1); short protein forms K363*, K272*.
Identifiers: ClinVar variation 504460 (VCV000504460.4), dbSNP rs1554046915, ClinGen allele CA359281139.